The following is an entry in ClinVar:

NM_002019.4(FLT1):c.2708-29A>C

Gene: FLT1 (fms related receptor tyrosine kinase 1; minus strand). Cytogenetic location: 13q12.3.
Variant type: single nucleotide variant.
Coding change: c.2708-29A>C on transcript NM_002019.4 (MANE Select); 29 bases into the intron before coding-DNA position 2708, A replaced by C.
Molecular consequence: intron variant.
Genome position (GRCh38, 1-based): chr13:28,327,579, T>G on the plus strand (A>C on the coding strand, the complement: FLT1 is on the minus strand). VCF-style: chr13-28327579-T-G. GRCh37 (hg19) VCF-style: chr13-28901716-T-G.
Identifiers: ClinVar variation 162075 (VCV000162075.2), dbSNP rs558381447, ClinGen allele CA251196.

ClinVar aggregate classification (germline): not provided (0 of 4 stars; one submission).

Conditions:
Carcinoma of colon (CRC). Also called: Colonic carcinoma; Colon carcinoma. Identifiers: MedGen C0699790, MONDO:0002032.

Submission:

Immunobiology Lab; University of Kashmir
No classification provided. Condition: Carcinoma of colon. Review status: no classification provided. Collection method: not provided. Allele origin: somatic.
ClinVar note: Converted during submission from untested to not provided.